The following is an entry in ClinVar:

NM_018699.4(PRDM5):c.62T>G (p.Met21Arg)

Gene: PRDM5 (PR/SET domain 5; minus strand). Cytogenetic location: 4q27.
Variant type: single nucleotide variant.
Coding change: c.62T>G on transcript NM_018699.4 (MANE Select); coding-DNA position 62, T replaced by G.
Protein change: p.Met21Arg; replaces methionine 21 with arginine.
Molecular consequence: missense variant.
Genome position (GRCh38, 1-based): chr4:120,922,547, A>C on the plus strand (T>G on the coding strand, the complement: PRDM5 is on the minus strand). VCF-style: chr4-120922547-A-C. GRCh37 (hg19) VCF-style: chr4-121843702-A-C.
Other names: p.Met21Arg; c.62T>G (NM_018699.3); c.62T>G, p.Met21Arg (NM_001300823.2, NM_001300824.2, NM_001379104.1 and 1 more transcripts); short protein forms M21R.
Identifiers: ClinVar variation 2450368 (VCV002450368.3), dbSNP rs889282322, ClinGen allele CA105133214.

ClinVar aggregate classification (germline): Uncertain significance. Review status: criteria provided, multiple submitters, no conflicts (2 of 4 stars). 2 submissions from 2 submitters: Uncertain significance (2). Last evaluated 2025-06-27.

Conditions:
Cardiovascular phenotype. Identifiers: MedGen CN230736.

Allele frequency attached by ClinVar (database versions not stated): gnomAD exomes below 0.00001; TOPMed 0.00001.
gnomAD v4.1: 4 of 1,610,780 alleles (0.00025%); highest among the groups gnomAD compares: African/African-American, 0.0013%; no homozygotes.

Submissions (2):

Mayo Clinic Laboratories, Mayo Clinic
Classification: Uncertain significance. Last evaluated: 2025-06-27. Review status: criteria provided, single submitter. Criteria: ACMG Guidelines, 2015. Collection method: clinical testing. Allele origin: germline. Observed: 1 variant allele.
Comment: PM2_supporting

Ambry Genetics
Classification: Uncertain significance for Cardiovascular phenotype. Last evaluated: 2023-03-12. Review status: criteria provided, single submitter. Criteria: Ambry Variant Classification Scheme 2023. Collection method: clinical testing. Allele origin: germline.
Comment: The p.M21R variant (also known as c.62T>G), located in coding exon 1 of the PRDM5 gene, results from a T to G substitution at nucleotide position 62. The methionine at codon 21 is replaced by arginine, an amino acid with similar properties. This amino acid position is conserved. In addition, the in silico prediction for this alteration is inconclusive. Since supporting evidence is limited at this time, the clinical significance of this alteration remains unclear.